The following is an entry in ClinVar:

ClinVar aggregate classification (germline): Uncertain significance. Review status: criteria provided, multiple submitters, no conflicts (2 of 4 stars). 2 submissions from 2 submitters: Uncertain significance (2). Last evaluated 2019-08-08.

Conditions:
Intellectual disability, X-linked, with or without seizures, ARX-related. Also called: INTELLECTUAL DEVELOPMENTAL DISORDER, X-LINKED 29; MENTAL RETARDATION, X-LINKED 29; MENTAL RETARDATION, X-LINKED 32; MENTAL RETARDATION, X-LINKED 33; MENTAL RETARDATION, X-LINKED 38; MENTAL RETARDATION, X-LINKED 43. Identifiers: Orphanet 777, MedGen C0796244, MONDO:0010317, OMIM 300419.
Developmental and epileptic encephalopathy, 1 (DEE1). Also called: X-linked infantile spasms; West's syndrome; Tonic spasms with clustering, arrest of psychomotor development and hypsarrhythmia on EEG; X-Linked Infantile Spasm Syndrome; OHTAHARA SYNDROME, X-LINKED; INFANTILE SPASM SYNDROME, X-LINKED 1. Identifiers: MedGen C3463992, MONDO:0010632, OMIM 308350. Disease mechanism: loss of function.

Submissions (2):

Baylor Genetics
Classification: Uncertain significance for Intellectual disability, X-linked, with or without seizures, ARX-related. Last evaluated: 2019-08-08. Review status: criteria provided, single submitter. Criteria: ACMG Guidelines, 2015. Collection method: clinical testing. Allele origin: unknown. Affected: yes.
Comment: This variant was determined to be of uncertain significance according to ACMG Guidelines, 2015 [PMID:25741868].

Labcorp Genetics (formerly Invitae), Labcorp
Classification: Uncertain significance for Developmental and epileptic encephalopathy, 1; Intellectual disability, X-linked, with or without seizures, ARX-related. Last evaluated: 2018-07-02. Review status: criteria provided, single submitter. Criteria: Invitae Variant Classification Sherloc (09022015). Collection method: clinical testing. Allele origin: germline.
Comment: This variant has not been reported in the literature in individuals with ARX-related disease. While this variant is not present in population databases, the frequency information is unreliable, as metrics indicate poor data quality at this position in the ExAC database. This sequence change replaces glycine with valine at codon 210 of the ARX protein (p.Gly210Val). The glycine residue is weakly conserved and there is a moderate physicochemical difference between glycine and valine. Algorithms developed to predict the effect of missense changes on protein structure and function are either unavailable or do not agree on the potential impact of this missense change (SIFT: "Deleterious"; PolyPhen-2: "Probably Damaging"; Align-GVGD: "Class C0"). In summary, the available evidence is currently insufficient to determine the role of this variant in disease. Therefore, it has been classified as a Variant of Uncertain Significance.

NM_139058.3(ARX):c.629G>T (p.Gly210Val)

Gene: ARX (aristaless related homeobox; minus strand). Cytogenetic location: Xp21.3.
Variant type: single nucleotide variant.
Coding change: c.629G>T on transcript NM_139058.3 (MANE Select); coding-DNA position 629, G replaced by T.
Protein change: p.Gly210Val; replaces glycine 210 with valine.
Molecular consequence: missense variant.
Genome position (GRCh38, 1-based): chrX:25,013,366, C>A on the plus strand (G>T on the coding strand, the complement: ARX is on the minus strand). VCF-style: chrX-25013366-C-A. GRCh37 (hg19) VCF-style: chrX-25031483-C-A.
Other names: short protein forms G210V.
Identifiers: ClinVar variation 663360 (VCV000663360.10), dbSNP rs752323898, ClinGen allele CA412612773.